The following is an entry in ClinVar:

NM_001114753.3(ENG):c.428A>C (p.Lys143Thr)

Gene: ENG (endoglin; minus strand). Cytogenetic location: 9q34.11.
Variant type: single nucleotide variant.
Coding change: c.428A>C on transcript NM_001114753.3 (MANE Select); coding-DNA position 428, A replaced by C.
Protein change: p.Lys143Thr; replaces lysine 143 with threonine.
Molecular consequence: missense variant. On other transcripts: 5 prime UTR variant (1).
Genome position (GRCh38, 1-based): chr9:127,826,605, T>G on the plus strand (A>C on the coding strand, the complement: ENG is on the minus strand). VCF-style: chr9-127826605-T-G. GRCh37 (hg19) VCF-style: chr9-130588884-T-G.
Other names: c.428A>C, p.Lys143Thr (NM_000118.4, NM_001406715.1); c.-119A>C (NM_001278138.2); short protein forms K143T.
Identifiers: ClinVar variation 2883800 (VCV002883800.3), dbSNP rs2539077940, ClinGen allele CA374984295.

ClinVar aggregate classification (germline): Uncertain significance (1 of 4 stars; one submission).

Conditions:
Hereditary hemorrhagic telangiectasia (HHT). Also called: ORW DISEASE; Osler Weber Rendu syndrome; OSLER-RENDU-WEBER DISEASE; Osler hemorrhagic telangiectasia syndrome. Identifiers: Orphanet 774, MedGen C0039445, MONDO:0019180. Disease mechanism: loss of function.

Submission:

Labcorp Genetics (formerly Invitae), Labcorp
Classification: Uncertain significance for Hereditary hemorrhagic telangiectasia. Last evaluated: 2023-09-20. Review status: criteria provided, single submitter. Criteria: Invitae Variant Classification Sherloc (09022015). Collection method: clinical testing. Allele origin: germline.
Comment: In summary, the available evidence is currently insufficient to determine the role of this variant in disease. Therefore, it has been classified as a Variant of Uncertain Significance. Advanced modeling of protein sequence and biophysical properties (such as structural, functional, and spatial information, amino acid conservation, physicochemical variation, residue mobility, and thermodynamic stability) performed at Invitae indicates that this missense variant is not expected to disrupt ENG protein function. This variant has not been reported in the literature in individuals affected with ENG-related conditions. This variant is not present in population databases (gnomAD no frequency). This sequence change replaces lysine, which is basic and polar, with threonine, which is neutral and polar, at codon 143 of the ENG protein (p.Lys143Thr).